The following is an entry in ClinVar:

ClinVar aggregate classification (germline): Uncertain significance. Review status: criteria provided, multiple submitters, no conflicts (2 of 4 stars). 3 submissions from 3 submitters: Uncertain significance (3). Last evaluated 2026-04-21.

Conditions:
Chuvash polycythemia. Also called: POLYCYTHEMIA, VHL-DEPENDENT. Identifiers: Orphanet 238557, MedGen C1837915, MONDO:0009892, OMIM 263400.
Von Hippel-Lindau syndrome (VHLS). Also called: Von Hippel-Lindau; von Hippel–Lindau syndrome; VHL syndrome. Identifiers: Orphanet 892, MedGen C0019562, MONDO:0008667, OMIM 193300. Disease mechanism: loss of function.
Hereditary cancer-predisposing syndrome. Also called: Tumor predisposition; Neoplastic Syndromes, Hereditary; Hereditary Cancer Syndrome; Hereditary neoplastic syndrome. Identifiers: Orphanet 140162, MedGen C0027672, MeSH D009386, MONDO:0015356.

Allele frequency attached by ClinVar (database versions not stated): gnomAD exomes below 0.00001.

Submissions (3):

Ambry Genetics
Classification: Uncertain significance for Hereditary cancer-predisposing syndrome. Last evaluated: 2026-04-21. Review status: criteria provided, single submitter. Criteria: Ambry Variant Classification Scheme 2023. Collection method: clinical testing. Allele origin: germline.
Comment: The p.E70D variant (also known as c.210G>T), located in coding exon 1 of the VHL gene, results from a G to T substitution at nucleotide position 210. The glutamic acid at codon 70 is replaced by aspartic acid, an amino acid with highly similar properties. This variant was determined to be functionally neutral in one saturation genome editing assay (Buckley M et al. Nat Genet, 2024 Jul;56:1446-1455). This amino acid position is well conserved in available vertebrate species. In addition, the in silico prediction for this alteration is inconclusive. Based on the available evidence, the clinical significance of this variant remains unclear.

Labcorp Genetics (formerly Invitae), Labcorp
Classification: Uncertain significance for Von Hippel-Lindau syndrome; Chuvash polycythemia. Last evaluated: 2025-09-12. Review status: criteria provided, single submitter. Criteria: Invitae Variant Classification Sherloc (09022015). Collection method: clinical testing. Allele origin: germline.
Comment: This sequence change replaces glutamic acid, which is acidic and polar, with aspartic acid, which is acidic and polar, at codon 70 of the VHL protein (p.Glu70Asp). This variant is not present in population databases (gnomAD no frequency). This variant has not been reported in the literature in individuals affected with VHL-related conditions. ClinVar contains an entry for this variant (Variation ID: 1507313). Invitae Evidence Modeling of protein sequence and biophysical properties (such as structural, functional, and spatial information, amino acid conservation, physicochemical variation, residue mobility, and thermodynamic stability) indicates that this missense variant is expected to disrupt VHL protein function with a positive predictive value of 95%. This variant disrupts the p.Glu70 amino acid residue in VHL. Other variant(s) that disrupt this residue have been determined to be pathogenic (PMID: 9829912, 17661816, 19270817, 19408298, 25078357, 25562111, 25715769, 27439424; internal data). This suggests that this residue is clinically significant, and that variants that disrupt this residue are likely to be disease-causing. In summary, the available evidence is currently insufficient to determine the role of this variant in disease. Therefore, it has been classified as a Variant of Uncertain Significance.

All of Us Research Program, National Institutes of Health
Classification: Uncertain significance for Von Hippel-Lindau syndrome. Last evaluated: 2023-04-27. Review status: criteria provided, single submitter. Criteria: ACMG Guidelines, 2015. Collection method: clinical testing. Allele origin: germline. Inheritance: Autosomal dominant inheritance. Observed: 1 variant allele, 1 heterozygote.
Comment: This study involves interpretation of variants in research participants for the purpose of population health screening. Participant phenotype was not available at the time of variant classification. Additional details can be found in publication PMID: 35346344, PMCID: PMC8962531

Literature cited by the submitters: PubMed 38969834 (cited by Ambry Genetics); PubMed 9829912 (cited by Labcorp Genetics (formerly Invitae), Labcorp); PubMed 17661816 (cited by Labcorp Genetics (formerly Invitae), Labcorp); PubMed 19270817 (cited by Labcorp Genetics (formerly Invitae), Labcorp); PubMed 19408298 (cited by Labcorp Genetics (formerly Invitae), Labcorp); PubMed 25078357 (cited by Labcorp Genetics (formerly Invitae), Labcorp); PubMed 25562111 (cited by Labcorp Genetics (formerly Invitae), Labcorp); PubMed 25715769 (cited by Labcorp Genetics (formerly Invitae), Labcorp); PubMed 27439424 (cited by Labcorp Genetics (formerly Invitae), Labcorp).

NM_000551.4(VHL):c.210G>T (p.Glu70Asp)

Gene: VHL (von Hippel-Lindau tumor suppressor; plus strand). Cytogenetic location: 3p25.3.
Variant type: single nucleotide variant.
Coding change: c.210G>T on transcript NM_000551.4 (MANE Select); coding-DNA position 210, G replaced by T.
Protein change: p.Glu70Asp; replaces glutamic acid 70 with aspartic acid.
Molecular consequence: missense variant.
Genome position (GRCh38, 1-based): chr3:10,142,057, G>T. VCF-style: chr3-10142057-G-T. GRCh37 (hg19) VCF-style: chr3-10183741-G-T.
Other names: c.210G>T, p.Glu70Asp (NM_001354723.2, NM_198156.3); c.210G>T (NM_000551.3); short protein forms E70D.
Identifiers: ClinVar variation 1507313 (VCV001507313.11), dbSNP rs1553619417, ClinGen allele CA351749002.